The following is an entry in ClinVar:

NM_015386.3(COG4):c.1054G>A (p.Glu352Lys)

Gene: COG4 (component of oligomeric golgi complex 4; minus strand). Cytogenetic location: 16q22.1.
Variant type: single nucleotide variant.
Coding change: c.1054G>A on transcript NM_015386.3 (MANE Select); coding-DNA position 1054, G replaced by A.
Protein change: p.Glu352Lys; replaces glutamic acid 352 with lysine.
Molecular consequence: missense variant. On other transcripts: non-coding transcript variant (1).
Genome position (GRCh38, 1-based): chr16:70,508,413, C>T on the plus strand (G>A on the coding strand, the complement: COG4 is on the minus strand). VCF-style: chr16-70508413-C-T. GRCh37 (hg19) VCF-style: chr16-70542316-C-T.
Other names: c.1042G>A, p.Glu348Lys (NM_001195139.2); c.628G>A, p.Glu210Lys (NM_001365426.1); c.1054G>A (NM_015386.2); short protein forms E352K, E210K, E348K.
Identifiers: ClinVar variation 1386569 (VCV001386569.7), dbSNP rs779083895, ClinGen allele CA8144468.

ClinVar aggregate classification (germline): Uncertain significance. Review status: criteria provided, multiple submitters, no conflicts (2 of 4 stars). 2 submissions from 2 submitters: Uncertain significance (2). Last evaluated 2024-02-20.

Conditions:
Inborn genetic diseases. Identifiers: MedGen C0950123, MeSH D030342.
COG4-congenital disorder of glycosylation. Also called: CONGENITAL DISORDER OF GLYCOSYLATION, TYPE IIj; CDG IIj; COG4-CDG. Identifiers: Orphanet 263501, MedGen C4303552, MONDO:0013281, OMIM 613489.

Allele frequency attached by ClinVar (database versions not stated): ExAC 0.00001; gnomAD 0.00001; gnomAD exomes 0.00001 and 0.00003; TOPMed 0.00003.
gnomAD v4.1: 16 of 1,613,682 alleles (0.00099%); highest among the groups gnomAD compares: Admixed American, 0.012%; 1 homozygote.

Submissions (2):

Labcorp Genetics (formerly Invitae), Labcorp
Classification: Uncertain significance for COG4-congenital disorder of glycosylation. Last evaluated: 2024-02-20. Review status: criteria provided, single submitter. Criteria: Invitae Variant Classification Sherloc (09022015). Collection method: clinical testing. Allele origin: germline.
Comment: This sequence change replaces glutamic acid, which is acidic and polar, with lysine, which is basic and polar, at codon 352 of the COG4 protein (p.Glu352Lys). This variant is present in population databases (rs779083895, gnomAD 0.01%). This variant has not been reported in the literature in individuals affected with COG4-related conditions. ClinVar contains an entry for this variant (Variation ID: 1386569). Advanced modeling of protein sequence and biophysical properties (such as structural, functional, and spatial information, amino acid conservation, physicochemical variation, residue mobility, and thermodynamic stability) has been performed at Invitae for this missense variant, however the output from this modeling did not meet the statistical confidence thresholds required to predict the impact of this variant on COG4 protein function. In summary, the available evidence is currently insufficient to determine the role of this variant in disease. Therefore, it has been classified as a Variant of Uncertain Significance.

Ambry Genetics
Classification: Uncertain significance for Inborn genetic diseases. Last evaluated: 2021-11-05. Review status: criteria provided, single submitter. Criteria: Ambry Variant Classification Scheme 2023. Collection method: clinical testing. Allele origin: germline.